The following is an entry in ClinVar:

ClinVar aggregate classification (germline): Uncertain significance. Review status: criteria provided, multiple submitters, no conflicts (2 of 4 stars). 2 submissions from 2 submitters: Uncertain significance (2). Last evaluated 2024-02-05.

Conditions:
Developmental delay with or without dysmorphic facies and autism. Identifiers: MedGen C5193106, MONDO:0032760, OMIM 618454.
Hearing loss, autosomal dominant 75. Also called: DEAFNESS, AUTOSOMAL DOMINANT 75. Identifiers: MedGen C5394059, MONDO:0032911, OMIM 618778.

gnomAD v4.1: 1 of 1,614,162 alleles (0.000062%); highest among the groups gnomAD compares: Middle Eastern, 0.016%; no homozygotes.

Submissions (2):

Labcorp Genetics (formerly Invitae), Labcorp
Classification: Uncertain significance. Last evaluated: 2024-02-05. Review status: criteria provided, single submitter. Criteria: Invitae Variant Classification Sherloc (09022015). Collection method: clinical testing. Allele origin: germline.
Comment: This sequence change replaces proline, which is neutral and non-polar, with leucine, which is neutral and non-polar, at codon 2666 of the TRRAP protein (p.Pro2666Leu). This variant is not present in population databases (gnomAD no frequency). This variant has not been reported in the literature in individuals affected with TRRAP-related conditions. ClinVar contains an entry for this variant (Variation ID: 2130077). Advanced modeling of protein sequence and biophysical properties (such as structural, functional, and spatial information, amino acid conservation, physicochemical variation, residue mobility, and thermodynamic stability) performed at Invitae indicates that this missense variant is expected to disrupt TRRAP protein function with a positive predictive value of 80%. In summary, the available evidence is currently insufficient to determine the role of this variant in disease. Therefore, it has been classified as a Variant of Uncertain Significance.

Juno Genomics, Hangzhou Juno Genomics, Inc
Classification: Uncertain significance for Hearing loss, autosomal dominant 75; Developmental delay with or without dysmorphic facies and autism. Review status: criteria provided, single submitter. Criteria: ACMG Guidelines, 2015. Collection method: clinical testing. Allele origin: germline.
Comment: Absent from controls (or at extremely low frequency if recessive) in Genome Aggregation Database.;Missense variant in a gene that has a low rate of benign missense variation.

NM_001375524.1(TRRAP):c.8072C>T (p.Pro2691Leu)

Gene: TRRAP (transformation/transcription domain associated protein; plus strand). Cytogenetic location: 7q22.1.
Variant type: single nucleotide variant.
Coding change: c.8072C>T on transcript NM_001375524.1 (MANE Select); coding-DNA position 8072, C replaced by T.
Protein change: p.Pro2691Leu; replaces proline 2691 with leucine.
Molecular consequence: missense variant.
Genome position (GRCh38, 1-based): chr7:98,976,595, C>T. VCF-style: chr7-98976595-C-T. GRCh37 (hg19) VCF-style: chr7-98574218-C-T.
Other names: c.8051C>T, p.Pro2684Leu (NM_001244580.2); c.7997C>T, p.Pro2666Leu (NM_003496.4); short protein forms P2666L, P2691L, P2684L.
Identifiers: ClinVar variation 2130077 (VCV002130077.6), dbSNP rs2484948016, ClinGen allele CA368303428.
Genomic context (GRCh38, chr7:98,976,595, plus strand): 5'-AGCGGGACTGCCAGCCCAGCGCGCTGAACTGCTTTGTGGAAGCCATGTCCCAGTGCGTGC[C>T]GCCAATCCCCATCCGACCCTGCGTCCTGAAGTACCTGGGGAAGACACACAACCTCTGGTT-3'
Protein context (NP_001362453.1, residues 2681-2701): CFVEAMSQCV[Pro2691Leu]PIPIRPCVLK